The following is an entry in ClinVar:

NM_001128228.3(TPRN):c.341G>C (p.Gly114Ala)

Genes: TPRN (taperin; minus strand), LOC130003092 (ATAC-STARR-seq lymphoblastoid silent region 20589; plus strand). Cytogenetic location: 9q34.3.
Variant type: single nucleotide variant.
Coding change: c.341G>C on transcript NM_001128228.3 (MANE Select); coding-DNA position 341, G replaced by C.
Protein change: p.Gly114Ala; replaces glycine 114 with alanine.
Molecular consequence: missense variant.
Genome position (GRCh38, 1-based): chr9:137,200,371, C>G on the plus strand (G>C on the coding strand, the complement: TPRN is on the minus strand). VCF-style: chr9-137200371-C-G. GRCh37 (hg19) VCF-style: chr9-140094823-C-G.
Other names: short protein forms G114A.
Identifiers: ClinVar variation 1946544 (VCV001946544.6), dbSNP rs1012884049, ClinGen allele CA375783481.

ClinVar aggregate classification (germline): Uncertain significance. Review status: criteria provided, multiple submitters, no conflicts (2 of 4 stars). 2 submissions from 2 submitters: Uncertain significance (2). Last evaluated 2024-10-30.

Conditions:
Inborn genetic diseases. Identifiers: MedGen C0950123, MeSH D030342.

Submissions (2):

Labcorp Genetics (formerly Invitae), Labcorp
Classification: Uncertain significance. Last evaluated: 2024-10-30. Review status: criteria provided, single submitter. Criteria: Invitae Variant Classification Sherloc (09022015). Collection method: clinical testing. Allele origin: germline.
Comment: This sequence change replaces glycine, which is neutral and non-polar, with alanine, which is neutral and non-polar, at codon 114 of the TPRN protein (p.Gly114Ala). The frequency data for this variant in the population databases is considered unreliable, as metrics indicate insufficient coverage at this position in the gnomAD database. This variant has not been reported in the literature in individuals affected with TPRN-related conditions. ClinVar contains an entry for this variant (Variation ID: 1946544). An algorithm developed to predict the effect of missense changes on protein structure and function outputs the following: PolyPhen-2: "Benign". The alanine amino acid residue is found in multiple mammalian species, which suggests that this missense change does not adversely affect protein function. In summary, the available evidence is currently insufficient to determine the role of this variant in disease. Therefore, it has been classified as a Variant of Uncertain Significance.

Ambry Genetics
Classification: Uncertain significance for Inborn genetic diseases. Last evaluated: 2022-07-12. Review status: criteria provided, single submitter. Criteria: Ambry Variant Classification Scheme 2023. Collection method: clinical testing. Allele origin: germline.